The following is an entry in ClinVar:

NM_172364.5(CACNA2D4):c.1227G>C (p.Glu409Asp)

Gene: CACNA2D4 (calcium voltage-gated channel auxiliary subunit alpha2delta 4; minus strand). Cytogenetic location: 12p13.33.
Variant type: single nucleotide variant.
Coding change: c.1227G>C on transcript NM_172364.5 (MANE Select); coding-DNA position 1227, G replaced by C.
Protein change: p.Glu409Asp; replaces glutamic acid 409 with aspartic acid.
Molecular consequence: missense variant.
Genome position (GRCh38, 1-based): chr12:1,884,813, C>G on the plus strand (G>C on the coding strand, the complement: CACNA2D4 is on the minus strand). VCF-style: chr12-1884813-C-G. GRCh37 (hg19) VCF-style: chr12-1993979-C-G.
Other names: short protein forms E409D.
Identifiers: ClinVar variation 1427729 (VCV001427729.8), dbSNP rs755093083, ClinGen allele CA6387220.

ClinVar aggregate classification (germline): Uncertain significance (1 of 4 stars; one submission).

Allele frequency attached by ClinVar (database versions not stated): gnomAD 0.00001; gnomAD exomes 0.00002 and 0.00004; ExAC 0.00005.
gnomAD v4.1: 25 of 1,613,696 alleles (0.0015%); highest among the groups gnomAD compares: South Asian, 0.027%; no homozygotes.

Submission:

Labcorp Genetics (formerly Invitae), Labcorp
Classification: Uncertain significance. Last evaluated: 2025-03-17. Review status: criteria provided, single submitter. Criteria: Invitae Variant Classification Sherloc (09022015). Collection method: clinical testing. Allele origin: germline.
Comment: This sequence change replaces glutamic acid, which is acidic and polar, with aspartic acid, which is acidic and polar, at codon 409 of the CACNA2D4 protein (p.Glu409Asp). This variant is present in population databases (rs755093083, gnomAD 0.04%). This variant has not been reported in the literature in individuals affected with CACNA2D4-related conditions. ClinVar contains an entry for this variant (Variation ID: 1427729). An algorithm developed to predict the effect of missense changes on protein structure and function (PolyPhen-2) suggests that this variant is likely to be tolerated. In summary, the available evidence is currently insufficient to determine the role of this variant in disease. Therefore, it has been classified as a Variant of Uncertain Significance.